The following is an entry in ClinVar:

NM_022552.5(DNMT3A):c.2437C>A (p.Leu813Met)

Gene: DNMT3A (DNA methyltransferase 3 alpha; minus strand). Cytogenetic location: 2p23.3.
Variant type: single nucleotide variant.
Coding change: c.2437C>A on transcript NM_022552.5 (MANE Select); coding-DNA position 2437, C replaced by A.
Protein change: p.Leu813Met; replaces leucine 813 with methionine.
Molecular consequence: missense variant. On other transcripts: non-coding transcript variant (1).
Genome position (GRCh38, 1-based): chr2:25,236,977, G>T on the plus strand (C>A on the coding strand, the complement: DNMT3A is on the minus strand). VCF-style: chr2-25236977-G-T. GRCh37 (hg19) VCF-style: chr2-25459846-G-T.
Other names: c.1981C>A, p.Leu661Met (NM_001320893.1); c.1768C>A, p.Leu590Met (NM_001375819.1); c.1870C>A, p.Leu624Met (NM_153759.3); c.2437C>A, p.Leu813Met (NM_175629.2); short protein forms L624M, L661M, L590M, L813M.
Identifiers: ClinVar variation 4243595 (VCV004243595.1).
Genomic context (GRCh38, chr2:25,236,977, plus strand): 5'-TCTAGACGCTGGAGCTGACCTTGGCTATCCTGCCATGCTCCAGACACTCCTGCAGCTCCA[G>T]CTTATCATTCACAGTGGATGCCAACGGCCTAGGAGGCAGAAGAGAGACTGTAACAACAGA-3'
Protein context (NP_072046.2, residues 803-823): RPLASTVNDK[Leu813Met]ELQECLEHGR

ClinVar aggregate classification (germline): Uncertain significance (1 of 4 stars; one submission).

Conditions:
Inborn genetic diseases. Identifiers: MedGen C0950123, MeSH D030342.

Submission:

Ambry Genetics
Classification: Uncertain significance for Inborn genetic diseases. Last evaluated: 2025-07-12. Review status: criteria provided, single submitter. Criteria: Ambry Variant Classification Scheme 2023. Collection method: clinical testing. Allele origin: germline.
Comment: The p.L813M variant (also known as c.2437C>A), located in coding exon 20 of the DNMT3A gene, results from a C to A substitution at nucleotide position 2437. The leucine at codon 813 is replaced by methionine, an amino acid with highly similar properties. This amino acid position is conserved. In addition, the in silico prediction for this alteration is inconclusive. Based on the available evidence, the clinical significance of this variant remains unclear.